The following is an entry in ClinVar:

ClinVar aggregate classification (germline): Uncertain significance. Review status: criteria provided, multiple submitters, no conflicts (2 of 4 stars). 2 submissions from 2 submitters: Uncertain significance (2). Last evaluated 2020-04-02.

Conditions:
Catecholaminergic polymorphic ventricular tachycardia 1. Also called: VENTRICULAR TACHYCARDIA, CATECHOLAMINERGIC POLYMORPHIC, 1, WITH OR WITHOUT ATRIAL DYSFUNCTION AND/OR DILATED CARDIOMYOPATHY; RYR2-Related Catecholaminergic Polymorphic Ventricular Tachycardia; VENTRICULAR TACHYCARDIA, STRESS-INDUCED POLYMORPHIC 1. Identifiers: Orphanet 3286, MedGen C1631597, MONDO:0011484, OMIM 604772.

Submissions (2):

Labcorp Genetics (formerly Invitae), Labcorp
Classification: Uncertain significance for Catecholaminergic polymorphic ventricular tachycardia 1. Last evaluated: 2020-04-02. Review status: criteria provided, single submitter. Criteria: Invitae Variant Classification Sherloc (09022015). Collection method: clinical testing. Allele origin: germline.
Comment: This sequence change replaces glutamic acid with alanine at codon 4082 of the RYR2 protein (p.Glu4082Ala). The glutamic acid residue is highly conserved and there is a moderate physicochemical difference between glutamic acid and alanine. In summary, this variant is a novel missense change with uncertain impact on protein function. It has been classified as a Variant of Uncertain Significance. Algorithms developed to predict the effect of missense changes on protein structure and function do not agree on the potential impact of this missense change (SIFT: "Deleterious"; PolyPhen-2: "Benign"; Align-GVGD: "Class C65"). This variant is located in the second EF-hand Ca2+ binding motif of the RYR2 that has been shown to be required for Ca2+ binding/release. However, the functional relevance of a missense substitution at p.Glu4028 is uncertain. This variant is not present in population databases (ExAC no frequency) and has not been reported in the literature in individuals with a RYR2-related disease.

GeneDx
Classification: Uncertain significance. Last evaluated: 2017-01-19. Review status: criteria provided, single submitter. Criteria: GeneDx Variant Classification (06012015). Collection method: clinical testing. Allele origin: germline. Affected: yes.
Comment: The E4082A variant has not been reported in as pathogenic or benign to our knowledge and is not observed in largepopulation cohorts (Lek et al., 2016; 1000 Genomes Consortium et al., 2015; Exome Variant Server). It waspublished in a functional study as part of a triple residue variant (D4079A/E4081A/E4082A) that demonstrated noeffect of the triple residue variant on Ca(2+)-dependent activation or RYR2 expression; however, E4082A was notstudied in isolation and the clinical relevance of this study is unclear. The E4082A variant is a non-conservativeamino acid substitution, which is likely to impact secondary protein structure as these residues differ in polarity,charge, size and/or other properties. While this substitution occurs at a position where amino acids with similarproperties to glutamic acid are tolerated across species, A4082 is not the wildtype residue in any of the 99 vertebratespecies for which data is available in the UCSC browser. Furthermore, the E4082A variant is located in one of thethree hot-spot regions of the RYR2 gene, where the majority of pathogenic missense variants occur (Medeiros-Domingo et al., 2009).

NM_001035.3(RYR2):c.12245A>C (p.Glu4082Ala)

Gene: RYR2 (ryanodine receptor 2; plus strand). Cytogenetic location: 1q43.
Variant type: single nucleotide variant.
Coding change: c.12245A>C on transcript NM_001035.3 (MANE Select); coding-DNA position 12245, A replaced by C.
Protein change: p.Glu4082Ala; replaces glutamic acid 4082 with alanine.
Molecular consequence: missense variant.
Genome position (GRCh38, 1-based): chr1:237,783,957, A>C. VCF-style: chr1-237783957-A-C. GRCh37 (hg19) VCF-style: chr1-237947257-A-C.
Other names: c.12245A>C, p.Glu4082Ala (LRG_402t1); short protein forms E4082A.
Identifiers: ClinVar variation 393056 (VCV000393056.12), dbSNP rs1057524762, ClinGen allele CA16603645.